The following is an entry in ClinVar:

ClinVar aggregate classification (germline): Uncertain significance (1 of 4 stars; one submission).

gnomAD v4.1: 1 of 1,609,296 alleles (0.000062%); highest among the groups gnomAD compares: Non-Finnish European, 0.000085%; no homozygotes.

Submission:

Labcorp Genetics (formerly Invitae), Labcorp
Classification: Uncertain significance. Last evaluated: 2022-02-10. Review status: criteria provided, single submitter. Criteria: Invitae Variant Classification Sherloc (09022015). Collection method: clinical testing. Allele origin: germline.
Comment: This sequence change replaces alanine, which is neutral and non-polar, with glycine, which is neutral and non-polar, at codon 1530 of the C5 protein (p.Ala1530Gly). This variant is not present in population databases (gnomAD no frequency). In summary, the available evidence is currently insufficient to determine the role of this variant in disease. Therefore, it has been classified as a Variant of Uncertain Significance. Algorithms developed to predict the effect of sequence changes on RNA splicing suggest that this variant may create or strengthen a splice site. Algorithms developed to predict the effect of missense changes on protein structure and function are either unavailable or do not agree on the potential impact of this missense change (SIFT: "Deleterious"; PolyPhen-2: "Possibly Damaging"; Align-GVGD: "Class C0"). This variant has not been reported in the literature in individuals affected with C5-related conditions.

NM_001735.3(C5):c.4589C>G (p.Ala1530Gly)

Gene: C5 (complement C5; minus strand). Cytogenetic location: 9q33.2.
Variant type: single nucleotide variant.
Coding change: c.4589C>G on transcript NM_001735.3 (MANE Select); coding-DNA position 4589, C replaced by G.
Protein change: p.Ala1530Gly; replaces alanine 1530 with glycine.
Molecular consequence: missense variant.
Genome position (GRCh38, 1-based): chr9:120,960,337, G>C on the plus strand (C>G on the coding strand, the complement: C5 is on the minus strand). VCF-style: chr9-120960337-G-C. GRCh37 (hg19) VCF-style: chr9-123722615-G-C.
Other names: c.4607C>G, p.Ala1536Gly (NM_001317163.2); short protein forms A1536G, A1530G.
Identifiers: ClinVar variation 1367678 (VCV001367678.8), dbSNP rs1433628456, ClinGen allele CA374743499.